The following is an entry in ClinVar:

NM_000130.5(F5):c.1433G>C (p.Gly478Ala)

Gene: F5 (coagulation factor V; minus strand). Cytogenetic location: 1q24.2.
Variant type: single nucleotide variant.
Coding change: c.1433G>C on transcript NM_000130.5 (MANE Select); coding-DNA position 1433, G replaced by C.
Protein change: p.Gly478Ala; replaces glycine 478 with alanine.
Molecular consequence: missense variant.
Genome position (GRCh38, 1-based): chr1:169,549,979, C>G on the plus strand (G>C on the coding strand, the complement: F5 is on the minus strand). VCF-style: chr1-169549979-C-G. GRCh37 (hg19) VCF-style: chr1-169519217-C-G.
Other names: short protein forms G478A.
Identifiers: ClinVar variation 4294011 (VCV004294011.1).

ClinVar aggregate classification (germline): Uncertain significance (1 of 4 stars; one submission).

Conditions:
Congenital factor V deficiency. Also called: Hereditary factor V deficiency disease; LABILE FACTOR DEFICIENCY; OWREN PARAHEMOPHILIA; PARAHEMOPHILIA. Identifiers: Orphanet 326, MedGen C0015499, MONDO:0009210, OMIM 227400.

gnomAD v4.1: 3 of 1,614,038 alleles (0.00019%); highest among the groups gnomAD compares: Non-Finnish European, 0.00025%; no homozygotes.

Submission:

3billion
Classification: Uncertain significance for Congenital factor V deficiency. Last evaluated: 2024-06-20. Review status: criteria provided, single submitter. Criteria: ACMG Guidelines, 2015. Collection method: clinical testing. Allele origin: germline. Affected: yes.
Comment: The variant is observed at an extremely low frequency in the gnomAD v4.0.0 dataset (total allele frequency: <0.001%). Predicted Consequence/Location: The majority of the known disease-causing variants of this gene are variants expected to result in premature termination of the protein. In silico tool predictions suggest damaging effect of the variant on gene or gene product [REVEL: 0.85 (>=0.6, sensitivity 0.68 and specificity 0.92)]. Therefore, this variant is classified as VUS according to the recommendation of ACMG/AMP guideline.